The following is an entry in ClinVar:

NM_016204.4(GDF2):c.217_220del (p.Ser73fs)

Gene: GDF2 (growth differentiation factor 2; plus strand). Cytogenetic location: 10q11.22.
Variant type: Deletion.
Coding change: c.217_220del on transcript NM_016204.4 (MANE Select); coding-DNA positions 217 to 220, 4 bases deleted (AGTG; older notation c.217_220delAGTG).
Protein change: p.Ser73fs; shifts the reading frame from serine 73.
Molecular consequence: frameshift variant.
Genome position (GRCh38, 1-based): chr10:47,322,885-47,322,888, AGTG deleted; deleting any 4 consecutive bases within chr10:47,322,883-47,322,888 gives the same sequence; the c. name uses the placement nearest the transcript's 3' end. VCF-style (leftmost placement, unchanged base first): chr10-47322882-CTGAG-C. GRCh37 (hg19) VCF-style: chr10-48416473-CCACT-C.
Other names: short protein forms S73fs.
Identifiers: ClinVar variation 4714707 (VCV004714707.1).

ClinVar aggregate classification (germline): Pathogenic (1 of 4 stars; one submission).

Conditions:
Telangiectasia, hereditary hemorrhagic, type 5 (HHT5). Identifiers: Orphanet 774, MedGen C3809710, MONDO:0014217, OMIM 615506.

Submission:

Labcorp Genetics (formerly Invitae), Labcorp
Classification: Pathogenic for Telangiectasia, hereditary hemorrhagic, type 5. Last evaluated: 2025-03-09. Review status: criteria provided, single submitter. Criteria: Invitae Variant Classification Sherloc (09022015). Collection method: clinical testing. Allele origin: germline.
Comment: This sequence change creates a premature translational stop signal (p.Ser73Glyfs*16) in the GDF2 gene. It is expected to result in an absent or disrupted protein product. Loss-of-function variants in GDF2 are known to be pathogenic (PMID: 26801773, 31661308, 31727138). This variant is not present in population databases (gnomAD no frequency). This variant has not been reported in the literature in individuals affected with GDF2-related conditions. For these reasons, this variant has been classified as Pathogenic.

Literature cited by the submitters: PubMed 26801773; PubMed 31661308; PubMed 31727138.